The following is an entry in ClinVar:

ClinVar aggregate classification (germline): Uncertain significance. Review status: criteria provided, multiple submitters, no conflicts (2 of 4 stars). 2 submissions from 2 submitters: Uncertain significance (2). Last evaluated 2023-02-22.

Conditions:
Inborn genetic diseases. Identifiers: MedGen C0950123, MeSH D030342.

Allele frequency attached by ClinVar (database versions not stated): TOPMed 0.00002; gnomAD 0.00003; gnomAD exomes 0.00007; ESP Exome Variant Server 0.00008.
gnomAD v4.1: 109 of 1,607,350 alleles (0.0068%); highest among the groups gnomAD compares: Non-Finnish European, 0.0088%; no homozygotes.

Submissions (2):

Ambry Genetics
Classification: Uncertain significance for Inborn genetic diseases. Last evaluated: 2023-02-22. Review status: criteria provided, single submitter. Criteria: Ambry Variant Classification Scheme 2023. Collection method: clinical testing. Allele origin: germline.

Labcorp Genetics (formerly Invitae), Labcorp
Classification: Uncertain significance. Last evaluated: 2022-04-19. Review status: criteria provided, single submitter. Criteria: Invitae Variant Classification Sherloc (09022015). Collection method: clinical testing. Allele origin: germline.
Comment: This sequence change replaces proline, which is neutral and non-polar, with leucine, which is neutral and non-polar, at codon 751 of the SPEG protein (p.Pro751Leu). This variant is present in population databases (rs369116326, gnomAD 0.003%). This variant has not been reported in the literature in individuals affected with SPEG-related conditions. Algorithms developed to predict the effect of missense changes on protein structure and function are either unavailable or do not agree on the potential impact of this missense change (SIFT: "Deleterious"; PolyPhen-2: "Probably Damaging"; Align-GVGD: "Class C0"). In summary, the available evidence is currently insufficient to determine the role of this variant in disease. Therefore, it has been classified as a Variant of Uncertain Significance.

NM_005876.5(SPEG):c.2252C>T (p.Pro751Leu)

Gene: SPEG (striated muscle enriched protein kinase; plus strand). Cytogenetic location: 2q35.
Variant type: single nucleotide variant.
Coding change: c.2252C>T on transcript NM_005876.5 (MANE Select); coding-DNA position 2252, C replaced by T.
Protein change: p.Pro751Leu; replaces proline 751 with leucine.
Molecular consequence: missense variant.
Genome position (GRCh38, 1-based): chr2:219,451,274, C>T. VCF-style: chr2-219451274-C-T. GRCh37 (hg19) VCF-style: chr2-220315996-C-T.
Other names: c.2252C>T (NM_005876.4); short protein forms P751L.
Identifiers: ClinVar variation 2139701 (VCV002139701.3), dbSNP rs369116326, ClinGen allele CA66006484.